The following is an entry in ClinVar:

ClinVar aggregate classification (germline): Likely benign. Review status: criteria provided, single submitter (1 of 4 stars). 2 submissions from 2 submitters: Likely benign (1). 1 of the submissions does not count toward it. Last evaluated 2024-07-26.

Conditions:
Succinate-semialdehyde dehydrogenase deficiency (SSADHD). Also called: 4-HYDROXYBUTYRIC ACIDURIA; GABA METABOLIC DEFECT; Succinic Semialdehyde Dehydrogenase Deficiency; SSADH DEFICIENCY. Identifiers: Orphanet 22, MedGen C0268631, MONDO:0010083, OMIM 271980.
ALDH5A1-related disorder. Also called: ALDH5A1-related condition.

Allele frequency attached by ClinVar (database versions not stated): gnomAD 0.00001; TOPMed 0.00002; gnomAD exomes 0.00003 and 0.00004; ExAC 0.00005; ESP Exome Variant Server 0.00008.
gnomAD v4.1: 58 of 1,613,978 alleles (0.0036%); highest among the groups gnomAD compares: South Asian, 0.0077%; no homozygotes.

Submissions (2):

Labcorp Genetics (formerly Invitae), Labcorp
Classification: Likely benign for Succinate-semialdehyde dehydrogenase deficiency. Last evaluated: 2024-07-26. Review status: criteria provided, single submitter. Criteria: Invitae Variant Classification Sherloc (09022015). Collection method: clinical testing. Allele origin: germline.

PreventionGenetics, part of Exact Sciences
Classification: Likely benign for ALDH5A1-related condition. Last evaluated: 2019-10-14. Review status: no assertion criteria provided. Collection method: clinical testing. Allele origin: germline. Not counted in ClinVar's aggregate classification.
Comment: This variant is classified as likely benign based on ACMG/AMP sequence variant interpretation guidelines (Richards et al. 2015 PMID: 25741868, with internal and published modifications).

NM_001080.3(ALDH5A1):c.1473C>T (p.Gly491=)

Gene: ALDH5A1 (aldehyde dehydrogenase 5 family member A1; plus strand). Cytogenetic location: 6p22.3.
Variant type: single nucleotide variant.
Coding change: c.1473C>T on transcript NM_001080.3 (MANE Select); coding-DNA position 1473, C replaced by T.
Protein change: p.Gly491=; no amino-acid change (glycine 491 retained).
Molecular consequence: synonymous variant.
Genome position (GRCh38, 1-based): chr6:24,533,577, C>T. VCF-style: chr6-24533577-C-T. GRCh37 (hg19) VCF-style: chr6-24533805-C-T.
Other names: c.1329C>T, p.Gly443= (NM_001368954.1); c.1512C>T, p.Gly504= (NM_170740.1).
Identifiers: ClinVar variation 797550 (VCV000797550.12), dbSNP rs369192820, ClinGen allele CA3656956.